The following is an entry in ClinVar:

ClinVar aggregate classification (germline): Uncertain significance (1 of 4 stars; one submission).

Conditions:
Developmental and epileptic encephalopathy, 37 (DEE37). Also called: Epileptic encephalopathy, early infantile, 37. Identifiers: MedGen C4310770, MONDO:0014859, OMIM 616981.

Allele frequency attached by ClinVar (database versions not stated): gnomAD exomes 0.00001; gnomAD 0.00002; TOPMed 0.00002.
gnomAD v4.1: 13 of 1,178,258 alleles (0.0011%); highest among the groups gnomAD compares: African/African-American, 0.0033%; no homozygotes.

Submission:

Labcorp Genetics (formerly Invitae), Labcorp
Classification: Uncertain significance for Developmental and epileptic encephalopathy, 37. Last evaluated: 2022-05-18. Review status: criteria provided, single submitter. Criteria: Invitae Variant Classification Sherloc (09022015). Collection method: clinical testing. Allele origin: germline.
Comment: This sequence change replaces alanine, which is neutral and non-polar, with valine, which is neutral and non-polar, at codon 75 of the FRRS1L protein (p.Ala75Val). This variant is present in population databases (no rsID available, gnomAD 0.01%). This variant has not been reported in the literature in individuals affected with FRRS1L-related conditions. Algorithms developed to predict the effect of missense changes on protein structure and function output the following: SIFT: "Deleterious"; PolyPhen-2: "Possibly Damaging"; Align-GVGD: "Class C0". The valine amino acid residue is found in multiple mammalian species, which suggests that this missense change does not adversely affect protein function. In summary, the available evidence is currently insufficient to determine the role of this variant in disease. Therefore, it has been classified as a Variant of Uncertain Significance.

NM_014334.4(FRRS1L):c.71C>T (p.Ala24Val)

Gene: FRRS1L (ferric chelate reductase 1 like; minus strand). Cytogenetic location: 9q31.3.
Variant type: single nucleotide variant.
Coding change: c.71C>T on transcript NM_014334.4 (MANE Select); coding-DNA position 71, C replaced by T.
Protein change: p.Ala24Val; replaces alanine 24 with valine.
Molecular consequence: missense variant.
Genome position (GRCh38, 1-based): chr9:109,167,068, G>A on the plus strand (C>T on the coding strand, the complement: FRRS1L is on the minus strand). VCF-style: chr9-109167068-G-A. GRCh37 (hg19) VCF-style: chr9-111929348-G-A.
Other names: short protein forms A24V.
Identifiers: ClinVar variation 2423567 (VCV002423567.5), dbSNP rs1401587184, ClinGen allele CA374430562.